The following is an entry in ClinVar:

NM_177438.3(DICER1):c.3279_3282del (p.Asn1093fs)

Gene: DICER1 (dicer 1, ribonuclease III; minus strand). Cytogenetic location: 14q32.13.
Variant type: Deletion.
Coding change: c.3279_3282del on transcript NM_177438.3 (MANE Select); coding-DNA positions 3279 to 3282, 4 bases deleted (CTTA; older notation c.3279_3282delCTTA).
Protein change: p.Asn1093fs; shifts the reading frame from asparagine 1093.
Molecular consequence: frameshift variant. On other transcripts: non-coding transcript variant (4).
Genome position (GRCh38, 1-based): chr14:95,104,114-95,104,117, TAAG deleted on the plus strand (CTTA on the coding strand, the reverse complement: DICER1 is on the minus strand); deleting any 4 consecutive bases within chr14:95,104,114-95,104,118 gives the same sequence; the c. name uses the placement nearest the transcript's 3' end. VCF-style (leftmost placement, unchanged base first): chr14-95104113-CTAAG-C. GRCh37 (hg19) VCF-style: chr14-95570450-CTAAG-C.
Other names: c.3279_3282del, p.Asn1093fs (NM_001195573.1, NM_001271282.3, NM_001291628.2 and 12 more transcripts); c.3278_3281delACTT, p.Asn1093Lysfs (NM_001395681.1); c.2997_3000del, p.Asn999fs (NM_001395686.1); c.2874_2877del, p.Asn958fs (NM_001395687.1, NM_001395688.1, NM_001395689.1 and 2 more transcripts); c.2712_2715del, p.Asn904fs (NM_001395691.1); c.1596_1599del, p.Asn532fs (NM_001395697.1); short protein forms N999fs, N1093fs, N904fs, N958fs, N532fs.
Identifiers: ClinVar variation 2760489 (VCV002760489.4), dbSNP rs2542723228, ClinGen allele CA2697554167.

ClinVar aggregate classification (germline): Pathogenic/Likely pathogenic. Review status: criteria provided, multiple submitters, no conflicts (2 of 4 stars). 2 submissions from 2 submitters: Pathogenic (1); Likely pathogenic (1). Last evaluated 2024-02-20.

Conditions:
DICER1-related tumor predisposition. Also called: DICER1-related pleuropulmonary blastoma cancer predisposition syndrome; DICER1 syndrome. Identifiers: Orphanet 284343, MedGen C3839822, MONDO:0100216.

Submissions (2):

Institute for Genomic Medicine (IGM) Clinical Laboratory, Nationwide Children's Hospital
Classification: Likely pathogenic for DICER1-related tumor predisposition. Last evaluated: 2024-02-20. Review status: criteria provided, single submitter. Criteria: ACMG Guidelines, 2015. Collection method: clinical testing. Allele origin: germline.
Comment: This variant is predicted to result in loss of function through nonsense-mediated decay of the encoded transcript or premature truncation of the encoded protein in a gene in which loss of function is a known mechanism of disease (ACMG/AMP: PVS1; PMIDs:26925222, 31342592). This variant is absent from or present at an exceedingly low frequency in gnomAD, a large-scale control population database (ACMG/AMP: PM2).

Labcorp Genetics (formerly Invitae), Labcorp
Classification: Pathogenic for DICER1-related tumor predisposition. Last evaluated: 2023-10-18. Review status: criteria provided, single submitter. Criteria: Invitae Variant Classification Sherloc (09022015). Collection method: clinical testing. Allele origin: germline.
Comment: This sequence change creates a premature translational stop signal (p.Asn1093Lysfs*50) in the DICER1 gene. It is expected to result in an absent or disrupted protein product. Loss-of-function variants in DICER1 are known to be pathogenic (PMID: 19556464, 21266384). This variant is not present in population databases (gnomAD no frequency). This variant has not been reported in the literature in individuals affected with DICER1-related conditions. Algorithms developed to predict the effect of sequence changes on RNA splicing suggest that this variant may disrupt the consensus splice site. For these reasons, this variant has been classified as Pathogenic.

Literature cited by the submitters: PubMed 26925222 (cited by Institute for Genomic Medicine (IGM) Clinical Laboratory, Nationwide Children's Hospital); PubMed 31342592 (cited by Institute for Genomic Medicine (IGM) Clinical Laboratory, Nationwide Children's Hospital); PubMed 19556464 (cited by Labcorp Genetics (formerly Invitae), Labcorp); PubMed 21266384 (cited by Labcorp Genetics (formerly Invitae), Labcorp).